The following is an entry in ClinVar:

NM_005391.5(PDK3):c.231G>T (p.Val77=)

Gene: PDK3 (pyruvate dehydrogenase kinase 3; plus strand). Cytogenetic location: Xp22.11.
Variant type: single nucleotide variant.
Coding change: c.231G>T on transcript NM_005391.5 (MANE Select); coding-DNA position 231, G replaced by T.
Protein change: p.Val77=; no amino-acid change (valine 77 retained).
Molecular consequence: synonymous variant.
Genome position (GRCh38, 1-based): chrX:24,494,866, G>T. VCF-style: chrX-24494866-G-T. GRCh37 (hg19) VCF-style: chrX-24512983-G-T.
Other names: c.231G>T, p.Val77= (NM_001142386.3).
Identifiers: ClinVar variation 1158715 (VCV001158715.10), dbSNP rs769270588, ClinGen allele CA10372241.

ClinVar aggregate classification (germline): Likely benign. Review status: criteria provided, multiple submitters, no conflicts (2 of 4 stars). 2 submissions from 2 submitters: Likely benign (2). Last evaluated 2026-08-01.

Conditions:
Charcot-Marie-Tooth disease X-linked dominant 6. Also called: CHARCOT-MARIE-TOOTH NEUROPATHY, X-LINKED DOMINANT, 6. Identifiers: Orphanet 352675, MedGen C3806702, MONDO:0010479, OMIM 300905.

Allele frequency attached by ClinVar (database versions not stated): ExAC 0.00002; gnomAD exomes 0.00002; gnomAD 0.00003 and 0.00004; TOPMed 0.00006.
gnomAD v4.1: 11 of 1,206,105 alleles (0.00091%); highest among the groups gnomAD compares: African/African-American, 0.019%; no homozygotes.

Submissions (2):

CeGaT Center for Human Genetics Tuebingen
Classification: Likely benign. Last evaluated: 2026-08-01. Review status: criteria provided, single submitter. Criteria: CeGaT Center For Human Genetics Tuebingen Variant Classification Criteria Version 2. Collection method: clinical testing. Allele origin: germline. Affected: yes. Observed: 1 variant allele.
Comment: PDK3: BP4, BP7

Labcorp Genetics (formerly Invitae), Labcorp
Classification: Likely benign for Charcot-Marie-Tooth disease X-linked dominant 6. Last evaluated: 2026-01-27. Review status: criteria provided, single submitter. Criteria: Invitae Variant Classification Sherloc (09022015). Collection method: clinical testing. Allele origin: germline.